The following is an entry in ClinVar:

ClinVar aggregate classification (germline): Uncertain significance (1 of 4 stars; one submission).

Conditions:
Mitochondrial hypertrophic cardiomyopathy with lactic acidosis due to MTO1 deficiency. Also called: CARDIOMYOPATHY, INFANTILE HYPERTROPHIC MITOCHONDRIAL, AND LACTIC ACIDOSIS; Combined oxidative phosphorylation deficiency 10. Identifiers: Orphanet 314637, MedGen C4749921, MONDO:0013865, OMIM 614702.

Submission:

Labcorp Genetics (formerly Invitae), Labcorp
Classification: Uncertain significance for Mitochondrial hypertrophic cardiomyopathy with lactic acidosis due to MTO1 deficiency. Last evaluated: 2022-04-04. Review status: criteria provided, single submitter. Criteria: Invitae Variant Classification Sherloc (09022015). Collection method: clinical testing. Allele origin: germline.
Comment: This sequence change replaces arginine, which is basic and polar, with leucine, which is neutral and non-polar, at codon 629 of the MTO1 protein (p.Arg629Leu). In summary, the available evidence is currently insufficient to determine the role of this variant in disease. Therefore, it has been classified as a Variant of Uncertain Significance. Algorithms developed to predict the effect of sequence changes on RNA splicing suggest that this variant may disrupt the consensus splice site. Algorithms developed to predict the effect of missense changes on protein structure and function are either unavailable or do not agree on the potential impact of this missense change (SIFT: "Tolerated"; PolyPhen-2: "Probably Damaging"; Align-GVGD: "Class C0"). This variant has not been reported in the literature in individuals affected with MTO1-related conditions. This variant is not present in population databases (gnomAD no frequency).

NM_012123.4(MTO1):c.1886G>T (p.Arg629Leu)

Gene: MTO1 (mitochondrial tRNA translation optimization 1; plus strand). Cytogenetic location: 6q13.
Variant type: single nucleotide variant.
Coding change: c.1886G>T on transcript NM_012123.4 (MANE Select); coding-DNA position 1886, G replaced by T.
Protein change: p.Arg629Leu; replaces arginine 629 with leucine.
Molecular consequence: missense variant.
Genome position (GRCh38, 1-based): chr6:73,497,865, G>T. VCF-style: chr6-73497865-G-T. GRCh37 (hg19) VCF-style: chr6-74207588-G-T.
Other names: c.2006G>T, p.Arg669Leu (NM_001123226.2); c.1961G>T, p.Arg654Leu (NM_133645.3); short protein forms R654L, R669L, R629L.
Identifiers: ClinVar variation 1418648 (VCV001418648.7), dbSNP rs894440027, ClinGen allele CA140931065.